The following is an entry in ClinVar:

NM_001356.5(DDX3X):c.45+510_45+534del

Gene: DDX3X (DEAD-box helicase 3 X-linked; plus strand). Cytogenetic location: Xp11.4.
Variant type: Deletion.
Coding change: c.45+510_45+534del on transcript NM_001356.5 (MANE Select); bases 510 to 534 of the intron after coding-DNA position 45, 25 bases deleted (TCGCTCGGGGTAATGGCGGCGGCCT).
Molecular consequence: intron variant.
Genome position (GRCh38, 1-based): chrX:41,334,807-41,334,831, TCGCTCGGGGTAATGGCGGCGGCCT deleted; deleting any 25 consecutive bases within chrX:41,334,799-41,334,831 gives the same sequence; the c. name uses the placement nearest the transcript's 3' end. VCF-style (leftmost placement, unchanged base first): chrX-41334798-GGGCGGCCTTCGCTCGGGGTAATGGC-G. GRCh37 (hg19) VCF-style: chrX-41194051-GGGCGGCCTTCGCTCGGGGTAATGGC-G.
Other names: c.45+510_45+534del (NM_001193416.3, NM_001193417.3); c.-1859+510_-1859+534del (NM_001363819.1).
Identifiers: ClinVar variation 4821592 (VCV004821592.4).
Genomic context (GRCh38, chrX:41,334,798, plus strand): 5'-GCACCCGGTGTTTGCGTGCCTGCGAGCAAGGGGTAGAACGCGGCCCAGGAATGTGGGAGG[GGGCGGCCTTCGCTCGGGGTAATGGC>G]GGCGGCCTCTTTTGTGTGGTGCTGGGCGGCGCTGTGGCTCACCTCCGGGAGACGGCGGGT-3'

ClinVar aggregate classification (germline): Likely benign (1 of 4 stars; one submission).

Submission:

CeGaT Center for Human Genetics Tuebingen
Classification: Likely benign. Last evaluated: 2026-03-01. Review status: criteria provided, single submitter. Criteria: CeGaT Center For Human Genetics Tuebingen Variant Classification Criteria Version 2. Collection method: clinical testing. Allele origin: germline. Affected: yes. Observed: 1 variant allele.
Comment: DDX3X: PP3, BS2